The following is an entry in ClinVar:

NM_006593.4(TBR1):c.76C>T (p.His26Tyr)

Gene: TBR1 (T-box brain transcription factor 1; plus strand). Cytogenetic location: 2q24.2.
Variant type: single nucleotide variant.
Coding change: c.76C>T on transcript NM_006593.4 (MANE Select); coding-DNA position 76, C replaced by T.
Protein change: p.His26Tyr; replaces histidine 26 with tyrosine.
Molecular consequence: missense variant.
Genome position (GRCh38, 1-based): chr2:161,416,486, C>T. VCF-style: chr2-161416486-C-T. GRCh37 (hg19) VCF-style: chr2-162272997-C-T.
Other names: short protein forms H26Y.
Identifiers: ClinVar variation 3371501 (VCV003371501.1).

ClinVar aggregate classification (germline): Uncertain significance (1 of 4 stars; one submission).

Submission:

GeneDx
Classification: Uncertain significance. Last evaluated: 2024-03-26. Review status: criteria provided, single submitter. Criteria: GeneDx Variant Classification Process June 2021. Collection method: clinical testing. Allele origin: germline. Affected: yes.
Comment: Not observed at significant frequency in large population cohorts (gnomAD); In silico analysis supports that this missense variant does not alter protein structure/function; Has not been previously published as pathogenic or benign to our knowledge